The following is an entry in ClinVar:

NM_024735.5(FBXO31):c.432C>T (p.His144=)

Gene: FBXO31 (F-box protein 31; minus strand). Cytogenetic location: 16q24.2.
Variant type: single nucleotide variant.
Coding change: c.432C>T on transcript NM_024735.5 (MANE Select); coding-DNA position 432, C replaced by T.
Protein change: p.His144=; no amino-acid change (histidine 144 retained).
Molecular consequence: synonymous variant. On other transcripts: 5 prime UTR variant (1).
Genome position (GRCh38, 1-based): chr16:87,347,231, G>A on the plus strand (C>T on the coding strand, the complement: FBXO31 is on the minus strand). VCF-style: chr16-87347231-G-A. GRCh37 (hg19) VCF-style: chr16-87380837-G-A.
Other names: c.-85C>T (NM_001282683.2).
Identifiers: ClinVar variation 721910 (VCV000721910.7), dbSNP rs149340076, ClinGen allele CA8219236.

ClinVar aggregate classification (germline): Likely benign. Review status: criteria provided, multiple submitters, no conflicts (2 of 4 stars). 3 submissions from 3 submitters: Likely benign (2). 1 of the submissions does not count toward it. Last evaluated 2024-11-27.

Conditions:
FBXO31-related disorder. Also called: FBXO31-related condition.

Allele frequency attached by ClinVar (database versions not stated): gnomAD exomes 0.00001 and 0.00006; ExAC 0.00007; gnomAD 0.00013 and 0.00014; TOPMed 0.00014; ESP Exome Variant Server 0.00015; 1000 Genomes Project 30x 0.00016; 1000 Genomes Project 0.00020.
gnomAD v4.1: 77 of 1,614,126 alleles (0.0048%); highest among the groups gnomAD compares: African/African-American, 0.028%; no homozygotes.

Submissions (3):

Blueprint Genetics
Classification: Likely benign. Last evaluated: 2024-11-27. Review status: criteria provided, single submitter. Criteria: ACMG Guidelines, 2015. Collection method: clinical testing. Allele origin: germline.

Labcorp Genetics (formerly Invitae), Labcorp
Classification: Likely benign. Last evaluated: 2019-12-31. Review status: criteria provided, single submitter. Criteria: Invitae Variant Classification Sherloc (09022015). Collection method: clinical testing. Allele origin: germline.

PreventionGenetics, part of Exact Sciences
Classification: Likely benign for FBXO31-related condition. Last evaluated: 2019-03-20. Review status: no assertion criteria provided. Collection method: clinical testing. Allele origin: germline. Not counted in ClinVar's aggregate classification.
Comment: This variant is classified as likely benign based on ACMG/AMP sequence variant interpretation guidelines (Richards et al. 2015 PMID: 25741868, with internal and published modifications).